The following is an entry in ClinVar:

NM_000307.5(POU3F4):c.305C>G (p.Ala102Gly)

Gene: POU3F4 (POU class 3 homeobox 4; plus strand). Cytogenetic location: Xq21.1.
Variant type: single nucleotide variant.
Coding change: c.305C>G on transcript NM_000307.5 (MANE Select); coding-DNA position 305, C replaced by G.
Protein change: p.Ala102Gly; replaces alanine 102 with glycine.
Molecular consequence: missense variant.
Genome position (GRCh38, 1-based): chrX:83,508,629, C>G. VCF-style: chrX-83508629-C-G. GRCh37 (hg19) VCF-style: chrX-82763637-C-G.
Other names: c.305C>G (NM_000307.3); short protein forms A102G.
Identifiers: ClinVar variation 1428284 (VCV001428284.7), dbSNP rs772013350, ClinGen allele CA10462759.

ClinVar aggregate classification (germline): Uncertain significance. Review status: criteria provided, multiple submitters, no conflicts (2 of 4 stars). 2 submissions from 2 submitters: Uncertain significance (2). Last evaluated 2024-10-22.

Conditions:
Inborn genetic diseases. Identifiers: MedGen C0950123, MeSH D030342.

Allele frequency attached by ClinVar (database versions not stated): ExAC 0.00001; gnomAD exomes 0.00001 and 0.00002; gnomAD 0.00003; TOPMed 0.00003.
gnomAD v4.1: 18 of 1,210,040 alleles (0.0015%); highest among the groups gnomAD compares: Admixed American, 0.011%; no homozygotes.

Submissions (2):

Labcorp Genetics (formerly Invitae), Labcorp
Classification: Uncertain significance. Last evaluated: 2024-10-22. Review status: criteria provided, single submitter. Criteria: Invitae Variant Classification Sherloc (09022015). Collection method: clinical testing. Allele origin: germline.
Comment: This sequence change replaces alanine, which is neutral and non-polar, with glycine, which is neutral and non-polar, at codon 102 of the POU3F4 protein (p.Ala102Gly). This variant is present in population databases (rs772013350, gnomAD 0.01%). This variant has not been reported in the literature in individuals affected with POU3F4-related conditions. ClinVar contains an entry for this variant (Variation ID: 1428284). Invitae Evidence Modeling of protein sequence and biophysical properties (such as structural, functional, and spatial information, amino acid conservation, physicochemical variation, residue mobility, and thermodynamic stability) indicates that this missense variant is not expected to disrupt POU3F4 protein function with a negative predictive value of 80%. In summary, the available evidence is currently insufficient to determine the role of this variant in disease. Therefore, it has been classified as a Variant of Uncertain Significance.

Ambry Genetics
Classification: Uncertain significance for Inborn genetic diseases. Last evaluated: 2024-05-16. Review status: criteria provided, single submitter. Criteria: Ambry Variant Classification Scheme 2023. Collection method: clinical testing. Allele origin: germline.